The following is an entry in ClinVar:

ClinVar aggregate classification (germline): Pathogenic (1 of 4 stars; one submission).

Submission:

Labcorp Genetics (formerly Invitae), Labcorp
Classification: Pathogenic. Last evaluated: 2024-03-02. Review status: criteria provided, single submitter. Criteria: Invitae Variant Classification Sherloc (09022015). Collection method: clinical testing. Allele origin: germline.
Comment: This sequence change affects a donor splice site in intron 44 of the ABCA4 gene. It is expected to disrupt RNA splicing. Variants that disrupt the donor or acceptor splice site typically lead to a loss of protein function (PMID: 16199547), and loss-of-function variants in ABCA4 are known to be pathogenic (PMID: 10958761, 24938718, 25312043, 26780318). This variant is not present in population databases (gnomAD no frequency). Disruption of this splice site has been observed in individual(s) with ABCA4-related conditions (PMID: 17325136, 23755871, 32619608). In at least one individual the data is consistent with being in trans (on the opposite chromosome) from a pathogenic variant. ClinVar contains an entry for this variant (Variation ID: 1457653). Algorithms developed to predict the effect of sequence changes on RNA splicing suggest that this variant may disrupt the consensus splice site. For these reasons, this variant has been classified as Pathogenic.

Literature cited by the submitters: PubMed 16199547; PubMed 10958761; PubMed 24938718; PubMed 25312043; PubMed 26780318; PubMed 17325136; PubMed 23755871; PubMed 32619608.

NM_000350.3(ABCA4):c.6147+2T>A

Gene: ABCA4 (ATP binding cassette subfamily A member 4; minus strand). Cytogenetic location: 1p22.1.
Variant type: single nucleotide variant.
Coding change: c.6147+2T>A on transcript NM_000350.3 (MANE Select); the canonical splice donor site of the intron after coding-DNA position 6147, T replaced by A.
Molecular consequence: splice donor variant.
Genome position (GRCh38, 1-based): chr1:94,005,439, A>T on the plus strand (T>A on the coding strand, the complement: ABCA4 is on the minus strand). VCF-style: chr1-94005439-A-T. GRCh37 (hg19) VCF-style: chr1-94470995-A-T.
Identifiers: ClinVar variation 1457653 (VCV001457653.6), dbSNP rs1659351072, ClinGen allele CA341278795.